The following is an entry in ClinVar:

ClinVar aggregate classification (germline): Uncertain significance (1 of 4 stars; one submission).

Allele frequency attached by ClinVar (database versions not stated): TOPMed below 0.00001.
gnomAD v4.1: 3 of 1,614,094 alleles (0.00019%); highest among the groups gnomAD compares: East Asian, 0.0067%; no homozygotes.

Submission:

GeneDx
Classification: Uncertain significance. Last evaluated: 2020-01-20. Review status: criteria provided, single submitter. Criteria: GeneDx Variant Classification Process June 2021. Collection method: clinical testing. Allele origin: germline. Affected: yes.
Comment: In silico analysis, which includes protein predictors and evolutionary conservation, supports a deleterious effect; Has not been previously published as pathogenic or benign to our knowledge

NM_016729.3(FOLR1):c.124C>A (p.His42Asn)

Genes: FOLR1 (folate receptor alpha; plus strand), FOLR1-AS1 (FOLR1 antisense RNA 1; minus strand). Cytogenetic location: 11q13.4.
Variant type: single nucleotide variant.
Coding change: c.124C>A on transcript NM_016729.3 (MANE Select); coding-DNA position 124, C replaced by A.
Protein change: p.His42Asn; replaces histidine 42 with asparagine.
Molecular consequence: missense variant.
Genome position (GRCh38, 1-based): chr11:72,192,297, C>A. VCF-style: chr11-72192297-C-A. GRCh37 (hg19) VCF-style: chr11-71903341-C-A.
Other names: c.124C>A, p.His42Asn (NM_000802.3, NM_016724.3, NM_016725.3); short protein forms H42N.
Identifiers: ClinVar variation 1208080 (VCV001208080.3), dbSNP rs754414177, ClinGen allele CA6169113.